The following continues an entry in ClinVar:

NM_138694.4(PKHD1):c.2507T>C (p.Val836Ala)

Gene: PKHD1. ClinVar aggregate classification (germline): Pathogenic/Likely pathogenic. Pathogenic (8); Likely pathogenic (6).

Submissions 11 to 16 of 16:

Myriad Genetics, Inc.
Classification: Likely pathogenic for Polycystic kidney disease 4. Last evaluated: 2021-10-20. Review status: criteria provided, single submitter. Criteria: Myriad Women's Health Autosomal Recessive and X-Linked Classification Criteria (2021). Collection method: clinical testing. Allele origin: unknown.
Comment: NM_138694.3(PKHD1):c.2507T>C(V836A) is a missense variant classified as likely pathogenic in the context of autosomal recessive polycystic kidney disease, PKHD1-related. V836A has been observed in cases with relevant disease (PMID: 24710345, 25124979, 27491411, 28851938, 29643536, 33123899, 33569422). Functional assessments of this variant are not available in the literature. V836A has been observed in population frequency databases (gnomAD: EAS 0.11%). In summary, NM_138694.3(PKHD1):c.2507T>C(V836A) is a missense variant that has been observed more frequently in cases with the relevant disease than in healthy populations. Please note: this variant was assessed in the context of healthy population screening.

Illumina Laboratory Services, Illumina
Classification: Likely pathogenic for Polycystic kidney disease 4. Last evaluated: 2018-12-05. Review status: criteria provided, single submitter. Criteria: ICSL Variant Classification Criteria 09 May 2019. Collection method: clinical testing. Allele origin: germline.
Comment: The PKHD1 c.2507T>C (p.Val836Ala) is a missense variant that has been reported in at least four studies in a compound heterozygous state in five individuals with autosomal recessive polycystic kidney disease (ARPKD) (Hao et al 2014; Liu et al. 2014; Kang et al. 2016; Cho et al. 2017). Twin B had intrahepatic bile duct dilation, but otherwise no overt clinical symptoms. Liu et al. (2014) performed sequence analysis of the PKHD1 gene in three Chinese children with ARPKD. The p.Val836Ala variant was absent from 322 controls and is reported at a frequency of 0.001273 in the East Asian population of the Exome Aggregation Consortium. Based on the evidence, the p.Val836Ala variant is classified as likely pathogenic for the autosomal recessive form of polycystic kidney disease. This variant was observed by ICSL as part of a predisposition screen in an ostensibly healthy population.

Baylor Genetics
Classification: Likely pathogenic for Polycystic kidney disease 4. Review status: criteria provided, single submitter. Criteria: ACMG Guidelines, 2015. Collection method: clinical testing. Allele origin: germline.

Juno Genomics, Hangzhou Juno Genomics, Inc
Classification: Pathogenic for Polycystic kidney disease 4. Review status: criteria provided, single submitter. Criteria: ACMG Guidelines, 2015. Collection method: clinical testing. Allele origin: germline. Affected: yes.
Comment: For recessive disorders, detected in trans with a pathogenic variant.;Patient's phenotype or family history is highly specific for a disease with a single genetic etiology.;Multiple lines of computational evidence support a deleterious effect on the gene or gene product.

Medical Laboratory Center, Huzhou Maternal and Child Health Hospital
Classification: Likely pathogenic for Polycystic kidney disease 4. Review status: no assertion criteria provided. Collection method: research. Allele origin: germline. Not counted in ClinVar's aggregate classification.

Genesolutions, Medical Genetics Institutes, Ho Chi Minh City, Vietnam
Classification: Uncertain significance for Polycystic kidney disease 4. Last evaluated: 2025-09-24. Review status: flagged submission. Criteria: ACMG Guidelines, 2015. Collection method: clinical testing. Allele origin: germline. Affected: yes. Not counted in ClinVar's aggregate classification.
ClinVar note: Reason: Outlier claim with insufficient supporting evidence

Literature cited by the submitters: PubMed 36691356 (cited by Victorian Clinical Genetics Services, Murdoch Childrens Research Institute); PubMed 21945273 (cited by Victorian Clinical Genetics Services, Murdoch Childrens Research Institute); PubMed 24710345 (cited by 6 submitters); PubMed 20301501 (cited by Victorian Clinical Genetics Services, Murdoch Childrens Research Institute); PubMed 34536170 (cited by 4 submitters); PubMed 25124979 (cited by 3 submitters); PubMed 27491411 (cited by 3 submitters); PubMed 29643536 (cited by Labcorp Genetics (formerly Invitae), Labcorp and Myriad Genetics, Inc.); PubMed 33123899 (cited by Women's Health and Genetics/Laboratory Corporation of America, LabCorp and Myriad Genetics, Inc.); PubMed 28851938 (cited by Myriad Genetics, Inc. and Illumina Laboratory Services, Illumina); PubMed 33569422 (cited by Myriad Genetics, Inc.).